The following is an entry in ClinVar:

NM_000222.3(KIT):c.1533C>A (p.Asn511Lys)

Gene: KIT (KIT proto-oncogene, receptor tyrosine kinase; plus strand). Cytogenetic location: 4q12.
Variant type: single nucleotide variant.
Coding change: c.1533C>A on transcript NM_000222.3 (MANE Select); coding-DNA position 1533, C replaced by A.
Protein change: p.Asn511Lys; replaces asparagine 511 with lysine.
Molecular consequence: missense variant. On other transcripts: intron variant (4).
Genome position (GRCh38, 1-based): chr4:54,726,043, C>A. VCF-style: chr4-54726043-C-A. GRCh37 (hg19) VCF-style: chr4-55592209-C-A.
Other names: c.1536C>A, p.Asn512Lys (NM_001385284.1, NM_001385290.1); c.1533C>A, p.Asn511Lys (NM_001385285.1); c.1531+5C>A (NM_001385288.1, NM_001385292.1); c.1528+5C>A (NM_001093772.2, NM_001385286.1); short protein forms N511K, N512K.
Identifiers: ClinVar variation 998514 (VCV000998514.9), dbSNP rs1232688220, ClinGen allele CA356906731.

ClinVar aggregate classification (germline): Uncertain significance (1 of 4 stars; one submission).

Conditions:
Gastrointestinal stromal tumor. Also called: Gastrointestinal stromal tumor, somatic; Gastrointestinal stroma tumor. Identifiers: Orphanet 44890, MedGen C0238198, MeSH D046152, MONDO:0011719, OMIM 606764, HP:0100723.

Submission:

Labcorp Genetics (formerly Invitae), Labcorp
Classification: Uncertain significance for Gastrointestinal stromal tumor. Last evaluated: 2020-10-27. Review status: criteria provided, single submitter. Criteria: Invitae Variant Classification Sherloc (09022015). Collection method: clinical testing. Allele origin: germline.
Comment: In summary, the available evidence is currently insufficient to determine the role of this variant in disease. Therefore, it has been classified as a Variant of Uncertain Significance. Algorithms developed to predict the effect of missense changes on protein structure and function are either unavailable or do not agree on the potential impact of this missense change (SIFT: "Deleterious"; PolyPhen-2: "Probably Damaging"; Align-GVGD: "Class C0"). This variant has not been reported in the literature in individuals with KIT-related conditions. This variant is not present in population databases (ExAC no frequency). This sequence change replaces asparagine with lysine at codon 511 of the KIT protein (p.Asn511Lys). The asparagine residue is weakly conserved and there is a moderate physicochemical difference between asparagine and lysine.